The following is an entry in ClinVar:

NM_004329.3(BMPR1A):c.1193dup (p.Leu398fs)

Gene: BMPR1A (bone morphogenetic protein receptor type 1A; plus strand). Cytogenetic location: 10q23.2.
Variant type: Duplication.
Coding change: c.1193dup on transcript NM_004329.3 (MANE Select); coding-DNA position 1193, one base duplicated (T; older notation c.1193dupT).
Protein change: p.Leu398fs; shifts the reading frame from leucine 398.
Molecular consequence: frameshift variant.
Genome position (GRCh38, 1-based): chr10:86,921,546, T duplicated; the last of 2 consecutive T bases (chr10:86,921,545-86,921,546); duplicating either gives the same sequence. VCF-style (leftmost placement, unchanged base first): chr10-86921544-C-CT. GRCh37 (hg19) VCF-style: chr10-88681301-C-CT.
Other names: short protein forms L398fs.
Identifiers: ClinVar variation 1452995 (VCV001452995.6), dbSNP rs2133606135, ClinGen allele CA2573145720.

ClinVar aggregate classification (germline): Pathogenic (1 of 4 stars; one submission).

Conditions:
Juvenile polyposis syndrome (JPS). Identifiers: Orphanet 2929, MedGen C0345893, MONDO:0017380, OMIM 174900.

Submission:

Labcorp Genetics (formerly Invitae), Labcorp
Classification: Pathogenic for Juvenile polyposis syndrome. Last evaluated: 2021-12-06. Review status: criteria provided, single submitter. Criteria: Invitae Variant Classification Sherloc (09022015). Collection method: clinical testing. Allele origin: germline.
Comment: This sequence change creates a premature translational stop signal (p.Leu398Phefs*32) in the BMPR1A gene. It is expected to result in an absent or disrupted protein product. Loss-of-function variants in BMPR1A are known to be pathogenic (PMID: 11536076, 12417513). This variant is not present in population databases (gnomAD no frequency). This variant has not been reported in the literature in individuals affected with BMPR1A-related conditions. For these reasons, this variant has been classified as Pathogenic.

Literature cited by the submitters: PubMed 11536076; PubMed 12417513.